The following is an entry in ClinVar:

NM_004333.6(BRAF):c.1742A>T (p.Asn581Ile)

Gene: BRAF (B-Raf proto-oncogene, serine/threonine kinase; minus strand). Cytogenetic location: 7q34.
Variant type: single nucleotide variant.
Coding change: c.1742A>T on transcript NM_004333.6 (MANE Select); coding-DNA position 1742, A replaced by T.
Protein change: p.Asn581Ile; replaces asparagine 581 with isoleucine.
Molecular consequence: missense variant.
Genome position (GRCh38, 1-based): chr7:140,753,393, T>A on the plus strand (A>T on the coding strand, the complement: BRAF is on the minus strand). VCF-style: chr7-140753393-T-A. GRCh37 (hg19) VCF-style: chr7-140453193-T-A.
Other names: c.1742A>T, p.Asn581Ile (NM_001354609.2, NM_001378468.1, NM_001378474.1); c.1862A>T, p.Asn621Ile (NM_001374244.1, NM_001374258.1); c.1751A>T, p.Asn584Ile (NM_001378467.1); c.1676A>T, p.Asn559Ile (NM_001378469.1); c.1640A>T, p.Asn547Ile (NM_001378470.1); c.1631A>T, p.Asn544Ile (NM_001378471.1); c.1586A>T, p.Asn529Ile (NM_001378472.1, NM_001378473.1); c.1478A>T, p.Asn493Ile (NM_001378475.1); short protein forms N584I, N493I, N544I, N547I, N559I, N581I, N621I, N529I.
Identifiers: ClinVar variation 2795673 (VCV002795673.3), dbSNP rs121913370, ClinGen allele CA369543399.

ClinVar aggregate classification (germline): Uncertain significance (1 of 4 stars; one submission).

Conditions:
RASopathy. Also called: rasopathies; Noonan spectrum disorder. Identifiers: Orphanet 536391, MedGen C5555857, MONDO:0021060.

gnomAD v4.1: 2 of 1,573,800 alleles (0.00013%); highest among the groups gnomAD compares: Non-Finnish European, 0.00017%; no homozygotes.

Submission:

Labcorp Genetics (formerly Invitae), Labcorp
Classification: Uncertain significance for RASopathy. Last evaluated: 2025-06-03. Review status: criteria provided, single submitter. Criteria: Invitae Variant Classification Sherloc (09022015). Collection method: clinical testing. Allele origin: germline.
Comment: This sequence change replaces asparagine, which is neutral and polar, with isoleucine, which is neutral and non-polar, at codon 581 of the BRAF protein (p.Asn581Ile). This variant is not present in population databases (gnomAD no frequency). This variant has not been reported in the literature in individuals affected with BRAF-related conditions. ClinVar contains an entry for this variant (Variation ID: 2795673). An algorithm developed to predict the effect of missense changes on protein structure and function (PolyPhen-2) suggests that this variant is likely to be disruptive. Algorithms developed to predict the effect of sequence changes on RNA splicing suggest that this variant may disrupt the consensus splice site. This variant disrupts the p.Asn581 amino acid residue in BRAF. Other variant(s) that disrupt this residue have been determined to be pathogenic (PMID: 16439621, 16474404, 17366577, 18042262, 19376813, 22876591, 24037001, 25463315). This suggests that this residue is clinically significant, and that variants that disrupt this residue are likely to be disease-causing. In summary, the available evidence is currently insufficient to determine the role of this variant in disease. Therefore, it has been classified as a Variant of Uncertain Significance.

Literature cited by the submitters: PubMed 16439621; PubMed 16474404; PubMed 17366577; PubMed 18042262; PubMed 19376813; PubMed 22876591; PubMed 24037001; PubMed 25463315.